The following is an entry in ClinVar:

NM_004548.3(NDUFB10):c.269+6T>G

Gene: NDUFB10 (NADH:ubiquinone oxidoreductase subunit B10; plus strand). Cytogenetic location: 16p13.3.
Variant type: single nucleotide variant.
Coding change: c.269+6T>G on transcript NM_004548.3 (MANE Select); 6 bases into the intron after coding-DNA position 269, T replaced by G.
Molecular consequence: intron variant.
Genome position (GRCh38, 1-based): chr16:1,961,297, T>G. VCF-style: chr16-1961297-T-G. GRCh37 (hg19) VCF-style: chr16-2011298-T-G.
Identifiers: ClinVar variation 2854879 (VCV002854879.3), dbSNP rs2548244234, ClinGen allele CA2631084564.

ClinVar aggregate classification (germline): Uncertain significance (1 of 4 stars; one submission).

Submission:

Labcorp Genetics (formerly Invitae), Labcorp
Classification: Uncertain significance. Last evaluated: 2023-11-15. Review status: criteria provided, single submitter. Criteria: Invitae Variant Classification Sherloc (09022015). Collection method: clinical testing. Allele origin: germline.
Comment: This sequence change falls in intron 2 of the NDUFB10 gene. It does not directly change the encoded amino acid sequence of the NDUFB10 protein. It affects a nucleotide within the consensus splice site. This variant is not present in population databases (gnomAD no frequency). This variant has not been reported in the literature in individuals affected with NDUFB10-related conditions. Variants that disrupt the consensus splice site are a relatively common cause of aberrant splicing (PMID: 17576681, 9536098). Algorithms developed to predict the effect of sequence changes on RNA splicing suggest that this variant may disrupt the consensus splice site. In summary, the available evidence is currently insufficient to determine the role of this variant in disease. Therefore, it has been classified as a Variant of Uncertain Significance.

Literature cited by the submitters: PubMed 17576681; PubMed 9536098.